The following is an entry in ClinVar:

NC_000019.10:g.39480627G>A

Gene: TIMM50 (translocase of inner mitochondrial membrane 50; plus strand). Cytogenetic location: 19q13.2.
Variant type: single nucleotide variant.
Genome position: GRCh38 VCF-style: chr19-39480627-G-A. GRCh37 (hg19) VCF-style: chr19-39971267-G-A.
Identifiers: ClinVar variation 2070260 (VCV002070260.4), dbSNP rs1212384397, ClinGen allele CA405785198.
Genomic context (GRCh38, chr19:39,480,627, plus strand): 5'-GCAATAAGTGTGATCCCTTCCTTCGCTGCGTCCTTTGCAGGGGCGGTGGCGCTCTGCAAG[G>A]CCCAAGGGGGCGTGGTCCAGATGACTTTGAATCCCAGTTGTCGCCCCCAGGGTCAGCCAG-3'

ClinVar aggregate classification (germline): Uncertain significance (1 of 4 stars; one submission).

Submission:

Labcorp Genetics (formerly Invitae), Labcorp
Classification: Uncertain significance. Last evaluated: 2022-06-15. Review status: criteria provided, single submitter. Criteria: Invitae Variant Classification Sherloc (09022015). Collection method: clinical testing. Allele origin: germline.
Comment: Algorithms developed to predict the effect of missense changes on protein structure and function output the following: SIFT: "Not Available"; PolyPhen-2: "Probably Damaging"; Align-GVGD: "Not Available". The aspartic acid amino acid residue is found in multiple mammalian species, which suggests that this missense change does not adversely affect protein function. In summary, the available evidence is currently insufficient to determine the role of this variant in disease. Therefore, it has been classified as a Variant of Uncertain Significance. This sequence change replaces glycine, which is neutral and non-polar, with aspartic acid, which is acidic and polar, at codon 28 of the TIMM50 protein (p.Gly28Asp). This variant is present in population databases (no rsID available, gnomAD 0.006%). This variant has not been reported in the literature in individuals affected with TIMM50-related conditions.